The following is an entry in ClinVar:

NM_002448.3(MSX1):c.668_669del (p.Arg223fs)

Gene: MSX1 (msh homeobox 1; plus strand). Cytogenetic location: 4p16.2.
Variant type: Deletion.
Coding change: c.668_669del on transcript NM_002448.3 (MANE Select); coding-DNA positions 668 to 669, 2 bases deleted (GC; older notation c.668_669delGC).
Protein change: p.Arg223fs; shifts the reading frame from arginine 223.
Molecular consequence: frameshift variant.
Genome position (GRCh38, 1-based): chr4:4,862,899-4,862,900, GC deleted; deleting any 2 consecutive bases within chr4:4,862,898-4,862,900 gives the same sequence; the c. name uses the placement nearest the transcript's 3' end. VCF-style (leftmost placement, unchanged base first): chr4-4862897-CCG-C. GRCh37 (hg19) VCF-style: chr4-4864624-CCG-C.
Other names: short protein forms R223fs.
Identifiers: ClinVar variation 3646272 (VCV003646272.2).

ClinVar aggregate classification (germline): Pathogenic (1 of 4 stars; one submission).

Conditions:
Hypoplastic enamel-onycholysis-hypohidrosis syndrome (TNS). Also called: ECTODERMAL DYSPLASIA 3, TOOTH/NAIL TYPE; Tooth-and-Nail Syndrome; NAIL DYSPLASIA WITH HYPODONTIA; ECTODERMAL DYSPLASIA 3, WITKOP TYPE; WITKOP SYNDROME. Identifiers: Orphanet 2228, MedGen C0406735, MONDO:0008582, OMIM 189500.

Submission:

Labcorp Genetics (formerly Invitae), Labcorp
Classification: Pathogenic for Hypoplastic enamel-onycholysis-hypohidrosis syndrome. Last evaluated: 2024-03-16. Review status: criteria provided, single submitter. Criteria: Invitae Variant Classification Sherloc (09022015). Collection method: clinical testing. Allele origin: germline.
Comment: This sequence change results in a frameshift in the MSX1 gene (p.Arg223Profs*116). While this is not anticipated to result in nonsense mediated decay, it is expected to disrupt the last 81 amino acid(s) of the MSX1 protein and extend the protein by 34 additional amino acid residues. This variant is not present in population databases (gnomAD no frequency). This variant has not been reported in the literature in individuals affected with MSX1-related conditions. This variant results in an extension of the MSX1 protein. Other variant(s) that result in a similarly extended protein product (p.Phe251Thrfs*92) have been determined to be pathogenic (PMID: 25874811). This suggests that these extensions are likely to be disease-causing. For these reasons, this variant has been classified as Pathogenic.

Literature cited by the submitters: PubMed 25874811.